The following is an entry in ClinVar:

NM_000535.7(PMS2):c.2160del (p.Gln721fs)

Gene: PMS2 (PMS1 homolog 2, mismatch repair system component; minus strand). Cytogenetic location: 7p22.1.
Variant type: Deletion.
Coding change: c.2160del on transcript NM_000535.7 (MANE Select); coding-DNA position 2160, one base deleted (G; older notation c.2160delG).
Protein change: p.Gln721fs; shifts the reading frame from glutamine 721.
Molecular consequence: frameshift variant. On other transcripts: non-coding transcript variant (1), intron variant (4).
Genome position (GRCh38, 1-based): chr7:5,982,838, C deleted on the plus strand (G on the coding strand, the reverse complement: PMS2 is on the minus strand); the first of 4 consecutive C bases (chr7:5,982,838-5,982,841); deleting any one gives the same sequence. VCF-style (leftmost placement, unchanged base first): chr7-5982837-GC-G. GRCh37 (hg19) VCF-style: chr7-6022468-GC-G.
Other names: c.1752delG, p.Gln586Argfs (NM_001018040.1); c.1755del, p.Gln586fs (NM_001322003.2, NM_001322004.2, NM_001322005.2 and 14 more transcripts); c.2004del, p.Gln669fs (NM_001322006.2, NM_001406870.1); c.1842del, p.Gln615fs (NM_001322007.2, NM_001322008.2, NM_001406876.1 and 1 more transcripts); c.1599del, p.Gln534fs (NM_001322010.2, NM_001406906.1, NM_001406907.1); c.1227del, p.Gln410fs (NM_001322011.2, NM_001322012.2); c.1587del, p.Gln530fs (NM_001322013.2, NM_001406909.1); c.2160del, p.Gln721fs (NM_001322014.2, NM_001406871.1); and 17 more; short protein forms Q320fs, Q410fs, Q464fs, Q530fs, Q534fs, Q550fs, Q563fs, Q566fs.
Identifiers: ClinVar variation 2674235 (VCV002674235.1), dbSNP rs2535529410, ClinGen allele CA2695198404.

ClinVar aggregate classification (germline): Pathogenic (1 of 4 stars; one submission).

Conditions:
Lynch syndrome 4 (LYNCH4). Also called: Hereditary non-polyposis colorectal cancer, type 4; Colorectal cancer, hereditary nonpolyposis, type 4. Identifiers: Orphanet 144, MedGen C1838333, MONDO:0013699, OMIM 614337. Disease mechanism: loss of function.

Submission:

Myriad Genetics, Inc.
Classification: Pathogenic for Lynch syndrome 4. Last evaluated: 2023-09-21. Review status: criteria provided, single submitter. Criteria: Myriad Autosomal Dominant, Autosomal Recessive and X-Linked Classification Criteria (2023). Collection method: clinical testing. Allele origin: unknown.
Comment: This variant is considered pathogenic. This variant creates a frameshift predicted to result in premature protein truncation.